The following is an entry in ClinVar:

ClinVar aggregate classification (germline): Benign. Review status: criteria provided, multiple submitters, no conflicts (2 of 4 stars). 6 submissions from 6 submitters: Benign (3). 3 of the submissions do not count toward it. Last evaluated 2026-02-04.

Conditions:
DCHS1-related disorder. Also called: DCHS1-related condition.

Allele frequency attached by ClinVar (database versions not stated): gnomAD exomes 0.01364 and 0.01844; ExAC 0.02131; gnomAD 0.03093 and 0.03188; TOPMed 0.03420; ESP Exome Variant Server 0.03440; 1000 Genomes Project 0.04213; 1000 Genomes Project 30x 0.04435.
gnomAD v4.1: 24,810 of 1,611,332 alleles (1.5%); highest among the groups gnomAD compares: African/African-American, 8%; 463 homozygotes.

Submissions (6):

Labcorp Genetics (formerly Invitae), Labcorp
Classification: Benign. Last evaluated: 2026-02-04. Review status: criteria provided, single submitter. Criteria: Invitae Variant Classification Sherloc (09022015). Collection method: clinical testing. Allele origin: germline.

GeneDx
Classification: Benign. Last evaluated: 2018-07-15. Review status: criteria provided, single submitter. Criteria: GeneDx Variant Classification Process June 2021. Collection method: clinical testing. Allele origin: germline. Affected: yes.

Breakthrough Genomics
Classification: Benign. Review status: criteria provided, single submitter. Criteria: ACMG Guidelines, 2015. Collection method: not provided. Allele origin: germline. Inheritance: Autosomal recessive inheritance. Affected: yes.

PreventionGenetics, part of Exact Sciences
Classification: Benign for DCHS1-related condition. Last evaluated: 2019-05-31. Review status: no assertion criteria provided. Collection method: clinical testing. Allele origin: germline. Not counted in ClinVar's aggregate classification.
Comment: This variant is classified as benign based on ACMG/AMP sequence variant interpretation guidelines (Richards et al. 2015 PMID: 25741868, with internal and published modifications).

Clinical Genetics DNA and cytogenetics Diagnostics Lab, Erasmus MC, Erasmus Medical Center
Classification: Benign. Review status: no assertion criteria provided. Collection method: clinical testing. Allele origin: germline. Affected: yes. Study: VKGL Data-share Consensus. Not counted in ClinVar's aggregate classification.

Clinical Genetics, Academic Medical Center
Classification: Benign. Review status: no assertion criteria provided. Collection method: clinical testing. Allele origin: germline. Affected: yes. Study: VKGL Data-share Consensus. Not counted in ClinVar's aggregate classification.

NM_003737.4(DCHS1):c.3798G>A (p.Leu1266=)

Gene: DCHS1 (dachsous cadherin-related 1; minus strand). Cytogenetic location: 11p15.4.
Variant type: single nucleotide variant.
Coding change: c.3798G>A on transcript NM_003737.4 (MANE Select); coding-DNA position 3798, G replaced by A.
Protein change: p.Leu1266=; no amino-acid change (leucine 1266 retained).
Molecular consequence: synonymous variant.
Genome position (GRCh38, 1-based): chr11:6,631,185, C>T on the plus strand (G>A on the coding strand, the complement: DCHS1 is on the minus strand). VCF-style: chr11-6631185-C-T. GRCh37 (hg19) VCF-style: chr11-6652416-C-T.
Identifiers: ClinVar variation 1253891 (VCV001253891.15), dbSNP rs12292546, ClinGen allele CA5860422.